The following is an entry in ClinVar:

NM_007294.4(BRCA1):c.2235_2236inv (p.Glu745_Asp746delinsAspTyr)

Gene: BRCA1 (BRCA1 DNA repair associated; minus strand). Cytogenetic location: 17q21.31.
Variant type: Inversion.
Coding change: c.2235_2236inv on transcript NM_007294.4 (MANE Select).
Protein change: p.Glu745_Asp746delinsAspTyr.
Molecular consequence: missense variant. On other transcripts: intron variant (137).
Genome position: GRCh38 VCF-style: chr17-43093295-CT-AG. GRCh37 (hg19) VCF-style: chr17-41245312-CT-AG.
Other names: c.2235_2236delAGinsCT (NM_007294.3); c.2022_2023inv, p.Glu674_Asp675delinsAspTyr (NM_001407571.1, NM_001407853.1, NM_001407894.1 and 9 more transcripts); c.2235_2236inv, p.Glu745_Asp746delinsAspTyr (NM_001407581.1, NM_001407582.1, NM_001407583.1 and 30 more transcripts); c.2232_2233inv, p.Glu744_Asp745delinsAspTyr (NM_001407587.1, NM_001407590.1, NM_001407591.1 and 22 more transcripts); c.2226_2227inv, p.Glu742_Asp743delinsAspTyr (NM_001407646.1, NM_001407647.1); c.2112_2113inv, p.Glu704_Asp705delinsAspTyr (NM_001407648.1, NM_001407664.1, NM_001407665.1 and 19 more transcripts); c.2109_2110inv, p.Glu703_Asp704delinsAspTyr (NM_001407649.1, NM_001407670.1, NM_001407671.1 and 11 more transcripts); c.2157_2158inv, p.Glu719_Asp720delinsAspTyr (NM_001407653.1, NM_001407654.1, NM_001407655.1 and 4 more transcripts); and 42 more.
Identifiers: ClinVar variation 462579 (VCV000462579.14), ClinGen allele CA658656728.

ClinVar aggregate classification (germline): Conflicting classifications of pathogenicity. Review status: criteria provided, conflicting classifications (1 of 4 stars). 3 submissions from 3 submitters: Uncertain significance (2); Likely benign (1). Last evaluated 2023-03-23.

Conditions:
Hereditary breast ovarian cancer syndrome. Also called: Hereditary breast and ovarian cancer syndrome (HBOC); Hereditary breast and ovarian cancer syndrome; Breast and ovarian cancer; Hereditary breast and/or ovarian cancer syndrome; Hereditary breast and ovarian cancer; BRCA1- and BRCA2-Associated Hereditary Breast and Ovarian Cancer. Identifiers: Orphanet 145, MedGen C0677776, MeSH D061325, MONDO:0003582. Disease mechanism: loss of function.
Hereditary cancer-predisposing syndrome. Also called: Neoplastic Syndromes, Hereditary; Hereditary Cancer Syndrome; Hereditary neoplastic syndrome; Tumor predisposition. Identifiers: Orphanet 140162, MedGen C0027672, MeSH D009386, MONDO:0015356.

Submissions (3):

University of Washington Department of Laboratory Medicine, University of Washington
Classification: Likely benign for Hereditary cancer-predisposing syndrome. Last evaluated: 2023-03-23. Review status: criteria provided, single submitter. Criteria: Dines et al. (Genet Med. 2020). Collection method: curation. Allele origin: germline.
Comment: Missense variant in a coldspot region where missense variants are very unlikely to be pathogenic (PMID:31911673).

BRCA1 coldspot (exon 11 using historical exon numbering). Reclassification based on statistical prior probability

Ambry Genetics
Classification: Uncertain significance for Hereditary cancer-predisposing syndrome. Last evaluated: 2022-09-09. Review status: criteria provided, single submitter. Criteria: Ambry Variant Classification Scheme 2023. Collection method: clinical testing. Allele origin: germline.
Comment: The c.2235_2236delAGinsCT variant (also known as p.E745_D746delinsDY), located in coding exon 9 of the BRCA1 gene, results from an in-frame deletion of AG and insertion of CT at nucleotide positions 2235 to 2236. This results in the substitution of the glutamic acid and aspartic acid residues for aspartic acid any tyrosine residues at codons 745 and 746. These amino acid positions are not well conserved in available vertebrate species. In addition, this alteration is predicted to be deleterious by in silico analysis (Choi Y et al. PLoS ONE. 2012; 7(10):e46688). Since supporting evidence is limited at this time, the clinical significance of this alteration remains unclear.

Labcorp Genetics (formerly Invitae), Labcorp
Classification: Uncertain significance for Hereditary breast ovarian cancer syndrome. Last evaluated: 2017-02-16. Review status: criteria provided, single submitter. Criteria: Invitae Variant Classification Sherloc (09022015). Collection method: clinical testing. Allele origin: germline.
Comment: This variant is not present in population databases (ExAC no frequency) and has not been reported in the literature in individuals with a BRCA1-related disease. This variant, c.2235_2236delinsCT, is a complex sequence change that results in the deletion of glutamic acid and aspartic acid residues and the insertion of aspartic acid and tyrosine residues in the BRCA1 protein (p.Glu745_Asp746delinsAspTyr). Experimental studies and prediction algorithms are not available for this variant, and the functional significance of the substituted amino acids is currently unknown. In summary, this is a novel in-frame deletion and insertion with uncertain impact on protein function. It has been classified as a Variant of Uncertain Significance.